The following is an entry in ClinVar:

ClinVar aggregate classification (germline): Uncertain significance (1 of 4 stars; one submission).

Conditions:
Congenital contractural arachnodactyly (CCA). Also called: Arthrogryposis, distal, type 9; BEALS SYNDROME; Beals-Hecht syndrome. Identifiers: Orphanet 115, MedGen C0220668, MONDO:0007363, OMIM 121050.

Submission:

Neuberg Centre For Genomic Medicine, NCGM
Classification: Uncertain significance for Congenital contractural arachnodactyly. Review status: criteria provided, single submitter. Criteria: ACMG Guidelines, 2015. Collection method: clinical testing. Allele origin: germline. Inheritance: Autosomal dominant inheritance. Affected: yes.
Comment: The observed missense c.6010G>A(p.Gly2004Ser) variant in FBN2 gene has not been reported previously as a pathogenic variant nor a benign variant, to our knowledge. The p.Gly2004Ser variant is absent in gnomAD Exomes. This variant has not been submitted to the ClinVar database. Multiple lines of computational evidences (Polyphen - Probably damaging, SIFT - Damaging and MutationTaster - Disease causing) predict a damaging effect on protein structure and function for this variant. The reference amino acid change at this position on FBN2 gene is predicted as conserved by GERP++ and PhyloP across 100 vertebrates. The amino acid Gly at position 2004 is changed to a Ser changing protein sequence and it might alter its composition and physico-chemical properties. For these reasons, this variant has been classified as a Variant of Uncertain Significance (VUS).

NM_001999.4(FBN2):c.6010G>A (p.Gly2004Ser)

Gene: FBN2 (fibrillin 2; minus strand). Cytogenetic location: 5q23.3.
Variant type: single nucleotide variant.
Coding change: c.6010G>A on transcript NM_001999.4 (MANE Select); coding-DNA position 6010, G replaced by A.
Protein change: p.Gly2004Ser; replaces glycine 2004 with serine.
Molecular consequence: missense variant.
Genome position (GRCh38, 1-based): chr5:128,301,418, C>T on the plus strand (G>A on the coding strand, the complement: FBN2 is on the minus strand). VCF-style: chr5-128301418-C-T. GRCh37 (hg19) VCF-style: chr5-127637110-C-T.
Other names: short protein forms G2004S.
Identifiers: ClinVar variation 3377676 (VCV003377676.1).